The following is an entry in ClinVar:

ClinVar aggregate classification (germline): Pathogenic/Likely pathogenic. Review status: criteria provided, multiple submitters, no conflicts (2 of 4 stars). 9 submissions from 9 submitters: Pathogenic (6); Likely pathogenic (2). 1 of the submissions does not count toward it. Last evaluated 2026-01-20.

Conditions:
FZD4-related disorder. Also called: FZD4-related condition.
Exudative vitreoretinopathy 1 (EVR1). Also called: CRISWICK-SCHEPENS SYNDROME; FEVR, AUTOSOMAL DOMINANT; Familial exudative vitreoretinopathy, autosomal dominant. Identifiers: Orphanet 891, Orphanet 90050, MedGen C1851402, MONDO:0007589, OMIM 133780.

Submissions (9):

Labcorp Genetics (formerly Invitae), Labcorp
Classification: Pathogenic. Last evaluated: 2026-01-20. Review status: criteria provided, single submitter. Criteria: Invitae Variant Classification Sherloc (09022015). Collection method: clinical testing. Allele origin: germline.
Comment: This sequence change creates a premature translational stop signal (p.Leu501Serfs*33) in the FZD4 gene. While this is not anticipated to result in nonsense mediated decay, it is expected to disrupt the last 37 amino acid(s) of the FZD4 protein. This variant is not present in population databases (gnomAD no frequency). This premature translational stop signal has been observed in individual(s) with clinical features of familial exudative vitreoretinopathy (PMID: 12172548, 31999491). This variant is also known as L501fsX533. ClinVar contains an entry for this variant (Variation ID: 5485). Algorithms developed to predict the effect of variants on gene product structure and function are not available or were not evaluated for this variant. Experimental studies have shown that this premature translational stop signal affects FZD4 function (PMID: 24036468, 31999491). This variant disrupts a region of the FZD4 protein in which other variant(s) (p.Thr503Valfs*31) have been determined to be pathogenic (PMID: 21097938, 25711638). This suggests that this is a clinically significant region of the protein, and that variants that disrupt it are likely to be disease-causing. For these reasons, this variant has been classified as Pathogenic.

3billion
Classification: Likely pathogenic for Exudative vitreoretinopathy 1. Last evaluated: 2022-05-22. Review status: criteria provided, single submitter. Criteria: ACMG Guidelines, 2015. Collection method: clinical testing. Allele origin: germline. Affected: yes. Observed: 1 heterozygote.
Comment: The variant is not observed in the gnomAD v2.1.1 dataset. Frameshift: predicted to result in a loss or disruption of normal protein function through protein truncation. The predicted truncated protein may be shortened by less than 10%. The variant has been reported at least twice as pathogenic with clinical assertions and evidence for the classification (ClinVar ID: VCV000005485). Therefore, this variant is classified as likely pathogenic according to the recommendation of ACMG/AMP guideline.

DBGen Ocular Genomics
Classification: Pathogenic for Exudative vitreoretinopathy 1. Last evaluated: 2022-01-01. Review status: criteria provided, single submitter. Criteria: ACMG Guidelines, 2015. Collection method: clinical testing. Allele origin: unknown. Inheritance: Autosomal dominant inheritance. Affected: yes.
Comment: Class 5 ACMG Guidelines, 2015

GeneDx
Classification: Likely pathogenic. Last evaluated: 2021-05-12. Review status: criteria provided, single submitter. Criteria: GeneDx Variant Classification Process June 2021. Collection method: clinical testing. Allele origin: germline. Affected: yes.
Comment: Frameshift variant predicted to result in protein truncation in a gene for which loss-of-function is a known mechanism of disease; Not observed in large population cohorts (Lek et al., 2016); This variant is associated with the following publications: (PMID: 31999491, 12172548, 24036468, 20340138)

Institute of Medical Genetics and Applied Genomics, University Hospital Tübingen
Classification: Pathogenic. Last evaluated: 2020-10-23. Review status: criteria provided, single submitter. Criteria: ACMG Guidelines, 2015. Collection method: clinical testing. Allele origin: germline. Inheritance: Autosomal dominant inheritance. Affected: yes.

Blueprint Genetics
Classification: Pathogenic for FZD4-related disorders. Last evaluated: 2020-08-28. Review status: criteria provided, single submitter. Criteria: ACMG Guidelines, 2015. Collection method: clinical testing. Allele origin: germline. Affected: yes. Observed: 1 variant allele.

Revvity Omics, Revvity
Classification: Pathogenic for Exudative vitreoretinopathy 1. Last evaluated: 2019-11-06. Review status: criteria provided, single submitter. Criteria: ACMG Guidelines, 2015. Collection method: clinical testing. Allele origin: germline.

CeGaT Center for Human Genetics Tuebingen
Classification: Pathogenic. Last evaluated: 2018-11-01. Review status: criteria provided, single submitter. Criteria: CeGaT Center For Human Genetics Tuebingen Variant Classification Criteria Version 2. Collection method: clinical testing. Allele origin: germline. Affected: yes. Observed: 2 variant alleles.

OMIM
Classification: Pathogenic for EXUDATIVE VITREORETINOPATHY 1. Last evaluated: 2002-10-01. Review status: no assertion criteria provided. Collection method: literature only. Allele origin: germline. Not counted in ClinVar's aggregate classification.

Literature cited by the submitters: PubMed 12172548 (cited by Labcorp Genetics (formerly Invitae), Labcorp and OMIM); PubMed 31999491 (cited by Labcorp Genetics (formerly Invitae), Labcorp); PubMed 24036468 (cited by Labcorp Genetics (formerly Invitae), Labcorp); PubMed 21097938 (cited by Labcorp Genetics (formerly Invitae), Labcorp); PubMed 25711638 (cited by Labcorp Genetics (formerly Invitae), Labcorp).

NM_012193.4(FZD4):c.1501_1502del (p.Leu501fs)

Genes: FZD4 (frizzled class receptor 4; minus strand), PRSS23 (serine protease 23; plus strand). Cytogenetic location: 11q14.2.
Variant type: Microsatellite.
Coding change: c.1501_1502del on transcript NM_012193.4 (MANE Select); coding-DNA positions 1501 to 1502, 2 bases deleted (CT; older notation c.1501_1502delCT).
Protein change: p.Leu501fs; shifts the reading frame from leucine 501.
Molecular consequence: frameshift variant. On other transcripts: non-coding transcript variant (2).
Genome position (GRCh38, 1-based): chr11:86,951,254-86,951,255, AG deleted on the plus strand (CT on the coding strand, the reverse complement: FZD4 is on the minus strand); deleting any 2 consecutive bases within chr11:86,951,254-86,951,257 gives the same sequence; the c. name uses the placement nearest the transcript's 3' end. VCF-style (leftmost placement, unchanged base first): chr11-86951253-AAG-A. GRCh37 (hg19) VCF-style: chr11-86662295-AAG-A.
Other names: c.1501_1502delCT (NM_012193.4, NM_012193.3); short protein forms L501fs.
Identifiers: ClinVar variation 5485 (VCV000005485.59), dbSNP rs80358303, ClinGen allele CA253501.